The following is an entry in ClinVar:

NM_007294.4(BRCA1):c.134+202A>T

Gene: BRCA1 (BRCA1 DNA repair associated; minus strand). Cytogenetic location: 17q21.31.
Variant type: single nucleotide variant.
Coding change: c.134+202A>T on transcript NM_007294.4 (MANE Select); 202 bases into the intron after coding-DNA position 134, A replaced by T.
Molecular consequence: intron variant.
Genome position (GRCh38, 1-based): chr17:43,115,524, T>A on the plus strand (A>T on the coding strand, the complement: BRCA1 is on the minus strand). VCF-style: chr17-43115524-T-A. GRCh37 (hg19) VCF-style: chr17-41267541-T-A.
Other names: IVS 3+202A>T; c.-8+202A>T (NM_001408458.1, NM_001408470.1, NM_001407848.1 and 47 more transcripts); c.-219+9753A>T (NM_001407967.1); c.-170+9753A>T (NM_001407959.1); c.-7-8991A>T (NM_001407931.1, NM_001407747.1, NM_001408511.1 and 2 more transcripts); c.-170+202A>T (NM_001407962.1, NM_001408512.1, NM_001408510.1 and 1 more transcripts); c.-55+202A>T (NM_001407885.1, NM_001407886.1, NM_001408509.1 and 52 more transcripts); c.-124+202A>T (NM_001407746.1, NM_001408468.1, NM_001407842.1 and 13 more transcripts); and 11 more.
Identifiers: ClinVar variation 209534 (VCV000209534.4), dbSNP rs8176101, ClinGen allele CA276503.

ClinVar aggregate classification (germline): Benign. Review status: reviewed by expert panel (3 of 4 stars). 2 submissions from 2 submitters: Benign (1). 1 of the submissions does not count toward it. Last evaluated 2015-01-12.

Conditions:
Breast-ovarian cancer, familial, susceptibility to, 1 (BROVCA1). Also called: BRCA1 Hereditary Breast and Ovarian Cancer; OVARIAN CANCER, SUSCEPTIBILITY TO. Identifiers: Orphanet 145, MedGen C2676676, MONDO:0011450, OMIM 604370. Disease mechanism: loss of function.

Allele frequency attached by ClinVar (database versions not stated): gnomAD 0.00377; TOPMed 0.00444; 1000 Genomes Project 30x 0.00547; 1000 Genomes Project 0.00559.

Submissions (2):

Evidence-based Network for the Interpretation of Germline Mutant Alleles (ENIGMA)
Classification: Benign for Breast-ovarian cancer, familial 1. Last evaluated: 2015-01-12. Review status: reviewed by expert panel. Criteria: ENIGMA BRCA1/2 Classification Criteria (2015). Collection method: curation. Allele origin: germline.
Comment: Class 1 not pathogenic based on frequency >1% in an outbred sampleset. Frequency 0.01626 (African), derived from 1000 genomes (2012-04-30).

GeneDx
Classification: Likely benign. Last evaluated: 2018-06-23. Review status: criteria provided, single submitter. Criteria: GeneDx Variant Classification Process June 2021. Collection method: clinical testing. Allele origin: germline. Affected: yes. Not counted in ClinVar's aggregate classification.